The following is an entry in ClinVar:

ClinVar aggregate classification (germline): Benign. Review status: criteria provided, multiple submitters, no conflicts (2 of 4 stars). 3 submissions from 3 submitters: Benign (3). Last evaluated 2020-08-03.

Conditions:
Intestinal hypomagnesemia 1. Also called: HYPOMAGNESEMIA, INTESTINAL, WITH SECONDARY HYPOCALCEMIA; HYPOMAGNESEMIC TETANY. Identifiers: Orphanet 30924, MedGen C1865974, MONDO:0011176, OMIM 602014.

Allele frequency attached by ClinVar (database versions not stated): 1000 Genomes Project 0.01737; 1000 Genomes Project 30x 0.01827; TOPMed 0.03350.

Submissions (3):

GeneDx
Classification: Benign. Last evaluated: 2020-08-03. Review status: criteria provided, single submitter. Criteria: GeneDx Variant Classification Process June 2021. Collection method: clinical testing. Allele origin: germline. Affected: yes.

Illumina Laboratory Services, Illumina
Classification: Benign for Intestinal hypomagnesemia 1. Last evaluated: 2018-01-13. Review status: criteria provided, single submitter. Criteria: ICSL Variant Classification Criteria 13 December 2019. Collection method: clinical testing. Allele origin: germline.
Comment: This variant was observed in the ICSL laboratory as part of a predisposition screen in an ostensibly healthy population. It had not been previously curated by ICSL or reported in the Human Gene Mutation Database (HGMD: prior to June 1st, 2018), and was therefore a candidate for classification through an automated scoring system. Utilizing variant allele frequency, disease prevalence and penetrance estimates, and inheritance mode, an automated score was calculated to assess if this variant is too frequent to cause the disease. Based on the score and internal cut-off values, a variant classified as benign is not then subjected to further curation. The score for this variant resulted in a classification of benign for this disease.

Breakthrough Genomics
Classification: Benign. Review status: criteria provided, single submitter. Criteria: ACMG Guidelines, 2015. Collection method: not provided. Allele origin: germline. Inheritance: Autosomal recessive inheritance. Affected: yes.

NM_017662.5(TRPM6):c.*238G>A

Gene: TRPM6 (transient receptor potential cation channel subfamily M member 6; minus strand). Cytogenetic location: 9q21.13.
Variant type: single nucleotide variant.
Coding change: c.*238G>A on transcript NM_017662.5 (MANE Select); 238 bases downstream of the stop codon, G replaced by A.
Molecular consequence: 3 prime UTR variant.
Genome position (GRCh38, 1-based): chr9:74,724,375, C>T on the plus strand (G>A on the coding strand, the complement: TRPM6 is on the minus strand). VCF-style: chr9-74724375-C-T. GRCh37 (hg19) VCF-style: chr9-77339291-C-T.
Other names: c.*238G>A (NM_001177310.2, NM_001177311.2).
Identifiers: ClinVar variation 367291 (VCV000367291.7), dbSNP rs11144075, ClinGen allele CA10633950.
Genomic context (GRCh38, chr9:74,724,375, plus strand): 5'-TTCCAAGTGACCAGCTAAAGCAATGAGGTACACAAGAACAATATTCCCAGCTGACTCATC[C>T]AAGCATCTTCGTGTGGAACTTGAGGATGGAGCTGCAAAGTGCCCTGGACAGAGGTCAGTG-3'